The following is an entry in ClinVar:

NM_002661.5(PLCG2):c.2881A>G (p.Thr961Ala)

Gene: PLCG2 (phospholipase C gamma 2; plus strand). Cytogenetic location: 16q23.3.
Variant type: single nucleotide variant.
Coding change: c.2881A>G on transcript NM_002661.5 (MANE Select); coding-DNA position 2881, A replaced by G.
Protein change: p.Thr961Ala; replaces threonine 961 with alanine.
Molecular consequence: missense variant.
Genome position (GRCh38, 1-based): chr16:81,936,207, A>G. VCF-style: chr16-81936207-A-G. GRCh37 (hg19) VCF-style: chr16-81969812-A-G.
Other names: short protein forms T961A.
Identifiers: ClinVar variation 1985754 (VCV001985754.5), dbSNP rs750349959, ClinGen allele CA8194465.
Genomic context (GRCh38, chr16:81,936,207, plus strand): 5'-TGACCTTTTTCTCTGTGTGCAGAAAATCCTGACTTCCGAGAAATCCGCTCCTTTGTGGAG[A>G]CGAAGGCTGACAGCATCATCAGACAGAAGCCCGTCGACCTCCTGAAGTACAATCAAAAGG-3'
Protein context (NP_002652.2, residues 951-971): DFREIRSFVE[Thr961Ala]KADSIIRQKP

ClinVar aggregate classification (germline): Uncertain significance. Review status: criteria provided, multiple submitters, no conflicts (2 of 4 stars). 2 submissions from 2 submitters: Uncertain significance (2). Last evaluated 2025-04-12.

Conditions:
Inborn genetic diseases. Identifiers: MedGen C0950123, MeSH D030342.
Familial cold autoinflammatory syndrome 3 (FCAS3). Also called: FAMILIAL ATYPICAL COLD URTICARIA; ANTIBODY DEFICIENCY AND IMMUNE DYSREGULATION, PLCG2-ASSOCIATED. Identifiers: Orphanet 300359, MedGen C3280914, MONDO:0013766, OMIM 614468.

Allele frequency attached by ClinVar (database versions not stated): TOPMed below 0.00001; gnomAD exomes 0.00001; ExAC 0.00002.
gnomAD v4.1: 7 of 1,614,028 alleles (0.00043%); highest among the groups gnomAD compares: Admixed American, 0.0083%; no homozygotes.

Submissions (2):

Ambry Genetics
Classification: Uncertain significance for Inborn genetic diseases. Last evaluated: 2025-04-12. Review status: criteria provided, single submitter. Criteria: Ambry Variant Classification Scheme 2023. Collection method: clinical testing. Allele origin: germline.

Labcorp Genetics (formerly Invitae), Labcorp
Classification: Uncertain significance for Familial cold autoinflammatory syndrome 3. Last evaluated: 2022-10-26. Review status: criteria provided, single submitter. Criteria: Invitae Variant Classification Sherloc (09022015). Collection method: clinical testing. Allele origin: germline.
Comment: This sequence change replaces threonine, which is neutral and polar, with alanine, which is neutral and non-polar, at codon 961 of the PLCG2 protein (p.Thr961Ala). This variant is present in population databases (rs750349959, gnomAD 0.01%). This variant has not been reported in the literature in individuals affected with PLCG2-related conditions. Algorithms developed to predict the effect of missense changes on protein structure and function (SIFT, PolyPhen-2, Align-GVGD) all suggest that this variant is likely to be tolerated. In summary, the available evidence is currently insufficient to determine the role of this variant in disease. Therefore, it has been classified as a Variant of Uncertain Significance.